The following is an entry in ClinVar:

NM_080473.5(GATA5):c.118C>G (p.Pro40Ala)

Gene: GATA5 (GATA binding protein 5; minus strand). Cytogenetic location: 20q13.33.
Variant type: single nucleotide variant.
Coding change: c.118C>G on transcript NM_080473.5 (MANE Select); coding-DNA position 118, C replaced by G.
Protein change: p.Pro40Ala; replaces proline 40 with alanine.
Molecular consequence: missense variant.
Genome position (GRCh38, 1-based): chr20:62,475,404, G>C on the plus strand (C>G on the coding strand, the complement: GATA5 is on the minus strand). VCF-style: chr20-62475404-G-C. GRCh37 (hg19) VCF-style: chr20-61050460-G-C.
Other names: short protein forms P40A.
Identifiers: ClinVar variation 3722624 (VCV003722624.2).
Genomic context (GRCh38, chr20:62,475,404, plus strand): 5'-CAGCGAGCTCGGGGGGCTGCGGGCTCGGCTCACACCCGGACAGGTAGGACAGCATCGAGG[G>C]GACGCGCGCCGGCGGCACAAACATCGGAGAGCCGGCGCCCGGAGCGTGCAGGAAGGAGCC-3'
Protein context (NP_536721.1, residues 30-50): SPMFVPPARV[Pro40Ala]SMLSYLSGCE

ClinVar aggregate classification (germline): Uncertain significance (1 of 4 stars; one submission).

Submission:

Labcorp Genetics (formerly Invitae), Labcorp
Classification: Uncertain significance. Last evaluated: 2024-10-10. Review status: criteria provided, single submitter. Criteria: Invitae Variant Classification Sherloc (09022015). Collection method: clinical testing. Allele origin: germline.
Comment: This sequence change replaces proline, which is neutral and non-polar, with alanine, which is neutral and non-polar, at codon 40 of the GATA5 protein (p.Pro40Ala). This variant is not present in population databases (gnomAD no frequency). This variant has not been reported in the literature in individuals affected with GATA5-related conditions. An algorithm developed to predict the effect of missense changes on protein structure and function (PolyPhen-2) suggests that this variant is likely to be tolerated. In summary, the available evidence is currently insufficient to determine the role of this variant in disease. Therefore, it has been classified as a Variant of Uncertain Significance.